The following is an entry in ClinVar:

ClinVar aggregate classification (germline): Likely pathogenic (1 of 4 stars; one submission).

Conditions:
Proteosome-associated autoinflammatory syndrome. Also called: Proteasome-associated autoinflammatory syndrome. Identifiers: Orphanet 324977, MedGen C1850568, MONDO:0009726.

Submission:

Labcorp Genetics (formerly Invitae), Labcorp
Classification: Likely pathogenic for Proteosome-associated autoinflammatory syndrome. Last evaluated: 2022-10-28. Review status: criteria provided, single submitter. Criteria: Invitae Variant Classification Sherloc (09022015). Collection method: clinical testing. Allele origin: germline.
Comment: This variant results in the deletion of part of exon 1 (c.69_147+42del) of the PSMB8 gene. It is expected to disrupt RNA splicing. Variants that disrupt the donor or acceptor splice site typically lead to a loss of protein function (PMID: 16199547), and loss-of-function variants in PSMB8 are known to be pathogenic (PMID: 26524591). This variant is not present in population databases (gnomAD no frequency). This variant has not been reported in the literature in individuals affected with PSMB8-related conditions. Algorithms developed to predict the effect of sequence changes on RNA splicing suggest that this variant may disrupt the consensus splice site. In summary, the currently available evidence indicates that the variant is pathogenic, but additional data are needed to prove that conclusively. Therefore, this variant has been classified as Likely Pathogenic.

Literature cited by the submitters: PubMed 16199547; PubMed 26524591.

NM_148919.4(PSMB8):c.69_147+42del

Gene: PSMB8 (proteasome 20S subunit beta 8; minus strand). Cytogenetic location: 6p21.32.
Variant type: Deletion.
Coding change: c.69_147+42del on transcript NM_148919.4 (MANE Select); coding-DNA position 69 through 42 bases into the intron after coding-DNA position 147, 121 bases deleted.
Molecular consequence: splice donor variant. On other transcripts: intron variant (1).
Genome position (GRCh38, 1-based): chr6:32,843,808-32,843,928, 121 bases deleted. GRCh37 (hg19): chr6:32,811,590-32,811,710.
Other names: c.135+351_135+471del (NM_004159.5).
Identifiers: ClinVar variation 2027149 (VCV002027149.4), dbSNP rs2483095040, ClinGen allele CA2580074316.